The following is an entry in ClinVar:

ClinVar aggregate classification (germline): Likely benign (1 of 4 stars; one submission).

Allele frequency attached by ClinVar (database versions not stated): 1000 Genomes Project 30x 0.01686; gnomAD 0.01724 and 0.01851; TOPMed 0.01769; 1000 Genomes Project 0.01817; gnomAD exomes 0.02669.
gnomAD v4.1: 27,382 of 1,072,710 alleles (2.6%); highest among the groups gnomAD compares: South Asian, 5.6%; 466 homozygotes.

Submission:

GeneDx
Classification: Likely benign. Last evaluated: 2018-06-16. Review status: criteria provided, single submitter. Criteria: GeneDx Variant Classification (06012015). Collection method: clinical testing. Allele origin: germline. Affected: yes.
Comment: This variant is considered likely benign or benign based on one or more of the following criteria: it is a conservative change, it occurs at a poorly conserved position in the protein, it is predicted to be benign by multiple in silico algorithms, and/or has population frequency not consistent with disease.

NM_000093.5(COL5A1):c.654+105G>A

Gene: COL5A1 (collagen type V alpha 1 chain; plus strand). Cytogenetic location: 9q34.3.
Variant type: single nucleotide variant.
Coding change: c.654+105G>A on transcript NM_000093.5 (MANE Select); 105 bases into the intron after coding-DNA position 654, G replaced by A.
Molecular consequence: intron variant.
Genome position (GRCh38, 1-based): chr9:134,701,438, G>A. VCF-style: chr9-134701438-G-A. GRCh37 (hg19) VCF-style: chr9-137593284-G-A.
Other names: c.654+105G>A (NM_001278074.1).
Identifiers: ClinVar variation 674551 (VCV000674551.1), dbSNP rs138162275, ClinGen allele CA201087629.